The following is an entry in ClinVar:

NM_020247.5(COQ8A):c.651C>A (p.Phe217Leu)

Gene: COQ8A (coenzyme Q8A; plus strand). Cytogenetic location: 1q42.13.
Variant type: single nucleotide variant.
Coding change: c.651C>A on transcript NM_020247.5 (MANE Select); coding-DNA position 651, C replaced by A.
Protein change: p.Phe217Leu; replaces phenylalanine 217 with leucine.
Molecular consequence: missense variant.
Genome position (GRCh38, 1-based): chr1:226,965,733, C>A. VCF-style: chr1-226965733-C-A. GRCh37 (hg19) VCF-style: chr1-227153434-C-A.
Other names: short protein forms F217L.
Identifiers: ClinVar variation 3571948 (VCV003571948.1).
Genomic context (GRCh38, chr1:226,965,733, plus strand): 5'-CAGCGAGCATGCCCGGGAGCGGAAGGTGCCTGTGACGAGGATTGGCCGGCTGGCCAACTT[C>A]GGAGGTAAGGTGGCTGTGTGCCCCTGGACTGCCTCACCTGCCCTGCCTGGGCACCACGCT-3'
Protein context (NP_064632.2, residues 207-227): PVTRIGRLAN[Phe217Leu]GGLAVGLGFG

ClinVar aggregate classification (germline): Uncertain significance (1 of 4 stars; one submission).

gnomAD v4.1: 22 of 1,613,558 alleles (0.0014%); highest among the groups gnomAD compares: African/African-American, 0.0067%; no homozygotes.

Submission:

Athena Diagnostics
Classification: Uncertain significance. Last evaluated: 2024-04-15. Review status: criteria provided, single submitter. Criteria: Athena Diagnostics Criteria. Collection method: clinical testing. Allele origin: unknown.
Comment: Available data are insufficient to determine the clinical significance of the variant at this time. The frequency of this variant in the general population is uninformative in assessment of its pathogenicity. Computational tools predict that this variant is damaging.